The following is an entry in ClinVar:

ClinVar aggregate classification (germline): Likely benign. Review status: criteria provided, multiple submitters, no conflicts (2 of 4 stars). 3 submissions from 3 submitters: Likely benign (3). Last evaluated 2026-02-01.

Conditions:
Epilepsy, childhood absence, susceptibility to, 1. Also called: Epilepsy, childhood absence 1. Identifiers: Orphanet 64280, MedGen C1838604, MONDO:0020759, OMIM 600131.
Epilepsy, childhood absence, susceptibility to, 5. Identifiers: Orphanet 64280, MedGen C2677087, MONDO:0012843, OMIM 612269.

Allele frequency attached by ClinVar (database versions not stated): gnomAD 0.00003 and 0.00004; TOPMed 0.00004; gnomAD exomes 0.00005; ExAC 0.00006; ESP Exome Variant Server 0.00031.
gnomAD v4.1: 85 of 1,613,496 alleles (0.0053%); highest among the groups gnomAD compares: Non-Finnish European, 0.0068%; no homozygotes.

Submissions (3):

CeGaT Center for Human Genetics Tuebingen
Classification: Likely benign. Last evaluated: 2026-02-01. Review status: criteria provided, single submitter. Criteria: CeGaT Center For Human Genetics Tuebingen Variant Classification Criteria Version 2. Collection method: clinical testing. Allele origin: germline. Affected: yes. Observed: 1 variant allele.
Comment: GABRB3: BP4, BP7

Labcorp Genetics (formerly Invitae), Labcorp
Classification: Likely benign for Epilepsy, childhood absence, susceptibility to, 5; Epilepsy, childhood absence, susceptibility to, 1. Last evaluated: 2025-04-21. Review status: criteria provided, single submitter. Criteria: Invitae Variant Classification Sherloc (09022015). Collection method: clinical testing. Allele origin: germline.

Women's Health and Genetics/Laboratory Corporation of America, LabCorp
Classification: Likely benign. Last evaluated: 2025-02-04. Review status: criteria provided, single submitter. Criteria: LabCorp Variant Classification Summary - May 2015. Collection method: clinical testing. Allele origin: germline.

NM_000814.6(GABRB3):c.471G>A (p.Thr157=)

Gene: GABRB3 (gamma-aminobutyric acid type A receptor subunit beta3; minus strand). Cytogenetic location: 15q12.
Variant type: single nucleotide variant.
Coding change: c.471G>A on transcript NM_000814.6 (MANE Select); coding-DNA position 471, G replaced by A.
Protein change: p.Thr157=; no amino-acid change (threonine 157 retained).
Molecular consequence: synonymous variant.
Genome position (GRCh38, 1-based): chr15:26,583,405, C>T on the plus strand (G>A on the coding strand, the complement: GABRB3 is on the minus strand). VCF-style: chr15-26583405-C-T. GRCh37 (hg19) VCF-style: chr15-26828552-C-T.
Other names: c.216G>A, p.Thr72= (NM_001191320.2, NM_001278631.2); c.258G>A, p.Thr86= (NM_001191321.3); c.471G>A, p.Thr157= (NM_021912.5).
Identifiers: ClinVar variation 1654812 (VCV001654812.13), dbSNP rs143528720, ClinGen allele CA7437429.